The following is an entry in ClinVar:

NM_033380.3(COL4A5):c.937-2A>G

Gene: COL4A5 (collagen type IV alpha 5 chain; plus strand). Cytogenetic location: Xq22.3.
Variant type: single nucleotide variant.
Coding change: c.937-2A>G on transcript NM_033380.3 (MANE Select); the canonical splice acceptor site of the intron before coding-DNA position 937, A replaced by G.
Molecular consequence: splice acceptor variant.
Genome position (GRCh38, 1-based): chrX:108,582,882, A>G. VCF-style: chrX-108582882-A-G. GRCh37 (hg19) VCF-style: chrX-107826112-A-G.
Other names: c.937-2A>G (NM_000495.5).
Identifiers: ClinVar variation 2032606 (VCV002032606.4), dbSNP rs2524254464, ClinGen allele CA413927341.

ClinVar aggregate classification (germline): Pathogenic (1 of 4 stars; one submission).

Submission:

Labcorp Genetics (formerly Invitae), Labcorp
Classification: Pathogenic. Last evaluated: 2022-09-25. Review status: criteria provided, single submitter. Criteria: Invitae Variant Classification Sherloc (09022015). Collection method: clinical testing. Allele origin: germline.
Comment: This sequence change affects an acceptor splice site in intron 16 of the COL4A5 gene. It is expected to disrupt RNA splicing. Variants that disrupt the donor or acceptor splice site typically lead to a loss of protein function (PMID: 16199547), and loss-of-function variants in COL4A5 are known to be pathogenic (PMID: 9195222, 10752524, 14514738, 24854265, 26809805). This variant is not present in population databases (gnomAD no frequency). Disruption of this splice site has been observed in individual(s) with Alport syndrome (PMID: 31576025). In at least one individual the variant was observed to be de novo. Algorithms developed to predict the effect of sequence changes on RNA splicing suggest that this variant may disrupt the consensus splice site. For these reasons, this variant has been classified as Pathogenic.

Literature cited by the submitters: PubMed 16199547; PubMed 9195222; PubMed 10752524; PubMed 14514738; PubMed 24854265; PubMed 26809805; PubMed 31576025.